The following is an entry in ClinVar:

ClinVar aggregate classification (germline): Uncertain significance. Review status: criteria provided, single submitter (1 of 4 stars). 2 submissions from 2 submitters: Uncertain significance (1). 1 of the submissions does not count toward it. Last evaluated 2025-09-22.

Conditions:
SIK3-related disorder. Also called: SIK3-related condition.

Allele frequency attached by ClinVar (database versions not stated): ExAC 0.00082; TOPMed 0.00264; gnomAD exomes 0.00019; gnomAD 0.00255; ESP Exome Variant Server 0.00285; 1000 Genomes Project 30x 0.00406; 1000 Genomes Project 0.00399.
gnomAD v4.1: 689 of 1,613,184 alleles (0.043%); highest among the groups gnomAD compares: African/African-American, 0.8%; 2 homozygotes.

Submissions (2):

Ambry Genetics
Classification: Uncertain significance. Last evaluated: 2025-09-22. Review status: criteria provided, single submitter. Criteria: Ambry Variant Classification Scheme 2023. Collection method: clinical testing. Allele origin: germline.

PreventionGenetics, part of Exact Sciences
Classification: Benign for SIK3-related condition. Last evaluated: 2020-01-06. Review status: no assertion criteria provided. Collection method: clinical testing. Allele origin: germline. Not counted in ClinVar's aggregate classification.
Comment: This variant is classified as benign based on ACMG/AMP sequence variant interpretation guidelines (Richards et al. 2015 PMID: 25741868, with internal and published modifications).

NM_001366686.3(SIK3):c.2431G>A (p.Ala811Thr)

Gene: SIK3 (SIK family kinase 3; minus strand). Cytogenetic location: 11q23.3.
Variant type: single nucleotide variant.
Coding change: c.2431G>A on transcript NM_001366686.3 (MANE Select); coding-DNA position 2431, G replaced by A.
Protein change: p.Ala811Thr; replaces alanine 811 with threonine.
Molecular consequence: missense variant.
Genome position (GRCh38, 1-based): chr11:116,859,599, C>T on the plus strand (G>A on the coding strand, the complement: SIK3 is on the minus strand). VCF-style: chr11-116859599-C-T. GRCh37 (hg19) VCF-style: chr11-116730315-C-T.
Other names: c.2113G>A (NM_025164.3); c.1810G>A, p.Ala604Thr (NM_001281748.3); c.2287G>A, p.Ala763Thr (NM_001281749.3, NM_025164.6); short protein forms A763T, A811T, A604T.
Identifiers: ClinVar variation 3034586 (VCV003034586.3), dbSNP rs74794970, ClinGen allele CA6290391.
Genomic context (GRCh38, chr11:116,859,599, plus strand): 5'-CAGGTTGCTGCTGAAAGATTGCACTGCGGGAAGGTAAGCCTTGAAACTGGGAAGAAGATG[C>T]AGCCCCTGGAGAGAAAGGAACCTCAGAGTGACCAAGTGCCCAGGCCACCAGCCAGCCAGA-3'
Protein context (NP_001353615.1, residues 801-821): SSAMIQPHGA[Ala811Thr]SSSQFQGLPS